The following is an entry in ClinVar:

ClinVar aggregate classification (germline): Likely benign (1 of 4 stars; one submission).

gnomAD v4.1: 71 of 152,914 alleles (0.046%); highest among the groups gnomAD compares: Non-Finnish European, 0.069%; no homozygotes.

Submission:

CeGaT Center for Human Genetics Tuebingen
Classification: Likely benign. Last evaluated: 2024-08-01. Review status: criteria provided, single submitter. Criteria: CeGaT Center For Human Genetics Tuebingen Variant Classification Criteria Version 2. Collection method: clinical testing. Allele origin: germline. Affected: yes. Observed: 1 variant allele.
Comment: NFIB: BS2

NM_001369458.1(NFIB):c.38C>T (p.Ser13Leu)

Gene: NFIB (nuclear factor I B; minus strand). Cytogenetic location: 9p22.3.
Variant type: single nucleotide variant.
Coding change: c.38C>T on transcript NM_001369458.1; coding-DNA position 38, C replaced by T.
Protein change: p.Ser13Leu; replaces serine 13 with leucine.
Molecular consequence: missense variant.
Genome position (GRCh38, 1-based): chr9:14,532,005, G>A on the plus strand (C>T on the coding strand, the complement: NFIB is on the minus strand). VCF-style: chr9-14532005-G-A. GRCh37 (hg19) VCF-style: chr9-14532003-G-A.
Other names: c.38C>T, p.Ser13Leu (NM_001369459.1, NM_001369462.1, NM_001369468.1); short protein forms S13L.
Identifiers: ClinVar variation 3341659 (VCV003341659.15).